The following is an entry in ClinVar:

ClinVar aggregate classification (germline): Uncertain significance. Review status: criteria provided, multiple submitters, no conflicts (2 of 4 stars). 2 submissions from 2 submitters: Uncertain significance (2). Last evaluated 2025-07-15.

Conditions:
Spinocerebellar ataxia, autosomal recessive 22 (SCAR22). Identifiers: MedGen C4310781, MONDO:0014845, OMIM 616948.

Allele frequency attached by ClinVar (database versions not stated): gnomAD 0.00001; TOPMed 0.00009.
gnomAD v4.1: 9 of 1,611,874 alleles (0.00056%); highest among the groups gnomAD compares: Admixed American, 0.0034%; no homozygotes.

Submissions (2):

Ambry Genetics
Classification: Uncertain significance. Last evaluated: 2025-07-15. Review status: criteria provided, single submitter. Criteria: Ambry Variant Classification Scheme 2023. Collection method: clinical testing. Allele origin: germline.

New York Genome Center
Classification: Uncertain significance for Spinocerebellar ataxia, autosomal recessive 22. Last evaluated: 2020-10-23. Review status: criteria provided, single submitter. Criteria: NYGC Assertion Criteria 2020. Collection method: clinical testing. Allele origin: inherited. Observed: 1 compound heterozygote. Study: CSER-NYCKidSeq.
Comment: The inherited c.2243A>G (p.Asn748Ser) missense variant in exon 16 of 28 of VWA3B has not been reported in affected individuals in the available literature. This variant is present in gnomADv3 at a very low frequency (2/143304 alleles, allele frequency = 0.00001396; no homozygotes) indicating it is not a common benign variant in the populations represented in this database. In silico predictors suggest this variant is Benign (REVEL; score: 0.039) and Tolerated (SIFT; score: 0.34). Given the evidence regarding its pathogenicity, the c.2243A>G (p.Asn748Ser) variant identified in the VWA3B gene is reported as a Variant of Uncertain Significance.

NM_144992.5(VWA3B):c.2243A>G (p.Asn748Ser)

Gene: VWA3B (von Willebrand factor A domain containing 3B; plus strand). Cytogenetic location: 2q11.2.
Variant type: single nucleotide variant.
Coding change: c.2243A>G on transcript NM_144992.5 (MANE Select); coding-DNA position 2243, A replaced by G.
Protein change: p.Asn748Ser; replaces asparagine 748 with serine.
Molecular consequence: missense variant. On other transcripts: non-coding transcript variant (3).
Genome position (GRCh38, 1-based): chr2:98,230,142, A>G. VCF-style: chr2-98230142-A-G. GRCh37 (hg19) VCF-style: chr2-98846605-A-G.
Other names: c.1214A>G, p.Asn405Ser (NM_001345864.2); short protein forms N405S, N748S.
Identifiers: ClinVar variation 1213772 (VCV001213772.5), dbSNP rs1037456370, ClinGen allele CA52613306.